The following is an entry in ClinVar:

ClinVar aggregate classification (germline): Uncertain significance (1 of 4 stars; one submission).

Conditions:
Coffin-Siris syndrome 6. Identifiers: MedGen C4540499, MONDO:0033492, OMIM 617808.

Submission:

Dasa
Classification: Uncertain significance for Coffin-Siris syndrome 6. Last evaluated: 2025-08-21. Review status: criteria provided, single submitter. Criteria: DASA Assertion Criteria. Collection method: clinical testing. Allele origin: germline.
Comment: NM_152641.4(ARID2):c.5143A>G (p.Thr1715Ala) is a missense variant that results in the substitution of threonine with alanine. This variant is absent from population databases. Computational prediction algorithms are consistent with a benign effect. The currently available literature and clinical evidence are not sufficient to establish a definitive association between this variant and the reported condition. Therefore, this variant is classified as a variant of uncertain significance.

NM_152641.4(ARID2):c.5143A>G (p.Thr1715Ala)

Gene: ARID2 (AT-rich interaction domain 2; plus strand). Cytogenetic location: 12q12.
Variant type: single nucleotide variant.
Coding change: c.5143A>G on transcript NM_152641.4 (MANE Select); coding-DNA position 5143, A replaced by G.
Protein change: p.Thr1715Ala; replaces threonine 1715 with alanine.
Molecular consequence: missense variant.
Genome position (GRCh38, 1-based): chr12:45,892,092, A>G. VCF-style: chr12-45892092-A-G. GRCh37 (hg19) VCF-style: chr12-46285875-A-G.
Other names: c.5143A>G, p.Thr1715Ala (NM_001347839.2); short protein forms T1715A.
Identifiers: ClinVar variation 4882809 (VCV004882809.2).
Genomic context (GRCh38, chr12:45,892,092, plus strand): 5'-GCCCTACTTGCAGGATTAAAACAAGATGAACCAGGACAAGCAGGAAGTCAGAAGTCTTCT[A>G]CCAAGTAAGGAAAATGAGTTTACTTCCTGTTGTACATACAAAAAGAAACTAGGCAAAACA-3'
Protein context (NP_689854.2, residues 1705-1725): PGQAGSQKSS[Thr1715Ala]KQPTVGGTSS